The following is an entry in ClinVar:

ClinVar aggregate classification (germline): Likely pathogenic. Review status: criteria provided, multiple submitters, no conflicts (2 of 4 stars). 2 submissions from 2 submitters: Likely pathogenic (2). Last evaluated 2023-05-20.

Conditions:
Coffin-Siris syndrome 1 (CSS1). Also called: Mental retardation, autosomal dominant 12; ARID1B-Related Coffin-Siris Syndrome. Identifiers: Orphanet 1465, MedGen C3281201, MONDO:0007617, OMIM 135900. Disease mechanism: gain of function.

Submissions (2):

Neuberg Centre For Genomic Medicine, NCGM
Classification: Likely pathogenic for Coffin-Siris syndrome 1. Last evaluated: 2023-05-20. Review status: criteria provided, single submitter. Criteria: ACMG Guidelines, 2015. Collection method: clinical testing. Allele origin: germline. Inheritance: Autosomal dominant inheritance. Affected: yes.
Comment: The observed frameshift c.612_613insGCAGCAG(p.Gln205AlafsTer112) variant has not been reported previously as a pathogenic variant nor as a benign variant, to our knowledge. The p.Gln205AlafsTer112 variant is absent in gnomAD Exomes database. This variant has been submitted to the ClinVar database as likely pathogenic, but no details are available for independent assessment. This variant causes a frameshift starting with codon Glutamine 205, changes this amino acid to Alanine residue, and creates a premature Stop codon at position 112 of the new reading frame, denoted p.Gln205AlafsTer112. This variant is predicted to cause loss of normal protein function through protein truncation. Loss of function variants have been previously reported to be disease causing. Functional studies are required to prove pathogenicity of the variant. For these reasons, this variant has been classified as Likely Pathogenic

Revvity Omics, Revvity
Classification: Likely pathogenic for Coffin-Siris syndrome 1. Last evaluated: 2022-03-08. Review status: criteria provided, single submitter. Criteria: ACMG Guidelines, 2015. Collection method: clinical testing. Allele origin: germline.

NM_001374828.1(ARID1B):c.612_613insGCAGCAG (p.Gln205fs)

Genes: ARID1B (AT-rich interaction domain 1B; plus strand), LOC115308161 (uncharacterized LOC115308161; minus strand). Cytogenetic location: 6q25.3.
Variant type: Insertion.
Coding change: c.612_613insGCAGCAG on transcript NM_001374828.1 (MANE Select); coding-DNA positions 612 to 613, GCAGCAG inserted.
Protein change: p.Gln205fs; shifts the reading frame from glutamine 205.
Molecular consequence: frameshift variant. On other transcripts: non-coding transcript variant (1).
Genome position: GRCh38 VCF-style: chr6-156778292-A-AGCAGCAG. GRCh37 (hg19) VCF-style: chr6-157099426-A-AGCAGCAG.
Other names: c.363_364insGCAGCAG, p.Gln122Alafs (NM_001346813.1, NM_020732.3); c.612_613insGCAGCAG, p.Gln205fs (NM_001371656.1, NM_001374820.1, NM_017519.3); c.189_190insGCAGCAG, p.Gln64Alafs (NM_175863.2); short protein forms Q205fs.
Identifiers: ClinVar variation 2434978 (VCV002434978.3), dbSNP rs1554247377, ClinGen allele CA1096260365.